The following is an entry in ClinVar:

ClinVar aggregate classification (germline): Uncertain significance. Review status: criteria provided, multiple submitters, no conflicts (2 of 4 stars). 2 submissions from 2 submitters: Uncertain significance (2). Last evaluated 2025-03-03.

Conditions:
Hereditary cancer-predisposing syndrome. Also called: Neoplastic Syndromes, Hereditary; Tumor predisposition; Hereditary neoplastic syndrome; Hereditary Cancer Syndrome. Identifiers: Orphanet 140162, MedGen C0027672, MeSH D009386, MONDO:0015356.

Allele frequency attached by ClinVar (database versions not stated): gnomAD exomes below 0.00001; gnomAD 0.00001.

Submissions (2):

Labcorp Genetics (formerly Invitae), Labcorp
Classification: Uncertain significance. Last evaluated: 2025-03-03. Review status: criteria provided, single submitter. Criteria: Invitae Variant Classification Sherloc (09022015). Collection method: clinical testing. Allele origin: germline.
Comment: This sequence change replaces methionine, which is neutral and non-polar, with threonine, which is neutral and polar, at codon 104 of the CTNNA1 protein (p.Met104Thr). This variant is present in population databases (no rsID available, gnomAD 0.01%). This variant has not been reported in the literature in individuals affected with CTNNA1-related conditions. ClinVar contains an entry for this variant (Variation ID: 1362900). Invitae Evidence Modeling of protein sequence and biophysical properties (such as structural, functional, and spatial information, amino acid conservation, physicochemical variation, residue mobility, and thermodynamic stability) indicates that this missense variant is not expected to disrupt CTNNA1 protein function with a negative predictive value of 80%. In summary, the available evidence is currently insufficient to determine the role of this variant in disease. Therefore, it has been classified as a Variant of Uncertain Significance.

Ambry Genetics
Classification: Uncertain significance for Hereditary cancer-predisposing syndrome. Last evaluated: 2024-11-06. Review status: criteria provided, single submitter. Criteria: Ambry Variant Classification Scheme 2023. Collection method: clinical testing. Allele origin: germline.
Comment: The p.M104T variant (also known as c.311T>C), located in coding exon 3 of the CTNNA1 gene, results from a T to C substitution at nucleotide position 311. The methionine at codon 104 is replaced by threonine, an amino acid with similar properties. This amino acid position is highly conserved in available vertebrate species. In addition, this alteration is predicted to be deleterious by in silico analysis. The evidence for this gene-disease relationship is limited; therefore, the clinical significance of this alteration is unclear.

NM_001903.5(CTNNA1):c.311T>C (p.Met104Thr)

Gene: CTNNA1 (catenin alpha 1; plus strand). Cytogenetic location: 5q31.2.
Variant type: single nucleotide variant.
Coding change: c.311T>C on transcript NM_001903.5 (MANE Select); coding-DNA position 311, T replaced by C.
Protein change: p.Met104Thr; replaces methionine 104 with threonine.
Molecular consequence: missense variant. On other transcripts: initiator codon variant (1), intron variant (1).
Genome position (GRCh38, 1-based): chr5:138,810,047, T>C. VCF-style: chr5-138810047-T-C. GRCh37 (hg19) VCF-style: chr5-138145736-T-C.
Other names: c.311T>C, p.Met104Thr (NM_001290307.3, NM_001323982.2, NM_001323983.1 and 3 more transcripts); c.2T>C, p.Met1Thr (NM_001290309.3); c.-5-54T>C (NM_001290310.3); short protein forms M1T, M104T.
Identifiers: ClinVar variation 1362900 (VCV001362900.11), dbSNP rs1193479198, ClinGen allele CA361122796.
Genomic context (GRCh38, chr5:138,810,047, plus strand): 5'-CAGTTATTTGAGTTCATTCTTGCTGAGTTTGTTTTTCATTCTGTAAAACAGGTGATTTGA[T>C]GAAGGCTGCTGCAGGAGAGTTCGCAGATGATCCCTGCTCTTCTGTGAAGCGAGGCAACAT-3'
Protein context (NP_001894.2, residues 94-114): VEDVRKQGDL[Met104Thr]KAAAGEFADD